The following is an entry in ClinVar:

NM_173728.4(ARHGEF15):c.1855C>T (p.Arg619Cys)

Gene: ARHGEF15 (Rho guanine nucleotide exchange factor 15; plus strand). Cytogenetic location: 17p13.1.
Variant type: single nucleotide variant.
Coding change: c.1855C>T on transcript NM_173728.4 (MANE Select); coding-DNA position 1855, C replaced by T.
Protein change: p.Arg619Cys; replaces arginine 619 with cysteine.
Molecular consequence: missense variant.
Genome position (GRCh38, 1-based): chr17:8,318,645, C>T. VCF-style: chr17-8318645-C-T. GRCh37 (hg19) VCF-style: chr17-8221963-C-T.
Other names: c.1855C>T, p.Arg619Cys (NM_025014.2); short protein forms R619C.
Identifiers: ClinVar variation 2199943 (VCV002199943.4), dbSNP rs373534537, ClinGen allele CA8375329.

ClinVar aggregate classification (germline): Uncertain significance (1 of 4 stars; one submission).

Conditions:
Early-infantile DEE. Also called: Early infantile epileptic encephalopathy; Ohtahara syndrome; Early infantile epileptic encephalopathy with suppression bursts. Identifiers: Orphanet 1934, MedGen C0393706, MONDO:0800491.

Allele frequency attached by ClinVar (database versions not stated): ESP Exome Variant Server 0.00008.

Submission:

Labcorp Genetics (formerly Invitae), Labcorp
Classification: Uncertain significance for Early-infantile DEE. Last evaluated: 2023-08-27. Review status: criteria provided, single submitter. Criteria: Invitae Variant Classification Sherloc (09022015). Collection method: clinical testing. Allele origin: germline.
Comment: This sequence change replaces arginine, which is basic and polar, with cysteine, which is neutral and slightly polar, at codon 619 of the ARHGEF15 protein (p.Arg619Cys). This variant is present in population databases (rs373534537, gnomAD 0.007%). This variant has not been reported in the literature in individuals affected with ARHGEF15-related conditions. In summary, the available evidence is currently insufficient to determine the role of this variant in disease. Therefore, it has been classified as a Variant of Uncertain Significance. ClinVar contains an entry for this variant (Variation ID: 2199943). An algorithm developed to predict the effect of missense changes on protein structure and function (PolyPhen-2) suggests that this variant is likely to be disruptive.